The following is an entry in ClinVar:

ClinVar aggregate classification (germline): Likely pathogenic (1 of 4 stars; one submission).

Conditions:
Hereditary cancer-predisposing syndrome. Also called: Tumor predisposition; Hereditary neoplastic syndrome; Neoplastic Syndromes, Hereditary; Hereditary Cancer Syndrome. Identifiers: Orphanet 140162, MedGen C0027672, MeSH D009386, MONDO:0015356.

Submission:

Ambry Genetics
Classification: Likely pathogenic for Hereditary cancer-predisposing syndrome. Last evaluated: 2024-10-14. Review status: criteria provided, single submitter. Criteria: Ambry Variant Classification Scheme 2023. Collection method: clinical testing. Allele origin: germline.
Comment: The c.1312+1G>T intronic variant results from a G to T substitution one nucleotide after coding exon 9 of the APC gene. This variant has been observed in individuals with a personal and/or family history that is consistent with APC-related familial adenomatous polyposis (Ambry internal data; Lee JK et al. Cancer Genet, 2022 Apr;262-263:95-101). This variant is considered to be rare based on population cohorts in the Genome Aggregation Database (gnomAD). This nucleotide position is highly conserved in available vertebrate species. In silico splice site analysis predicts that this alteration will weaken the native splice donor site. Alterations that disrupt the canonical splice site are expected to cause aberrant splicing, resulting in an abnormal protein or a transcript that is subject to nonsense-mediated mRNA decay. As such, this alteration is classified as likely pathogenic.

Literature cited by the submitters: PubMed 35189564.

NM_000038.6(APC):c.1312+1G>T

Gene: APC (APC regulator of Wnt signaling pathway; plus strand). Cytogenetic location: 5q22.2.
Variant type: single nucleotide variant.
Coding change: c.1312+1G>T on transcript NM_000038.6 (MANE Select); the canonical splice donor site of the intron after coding-DNA position 1312, G replaced by T.
Molecular consequence: splice donor variant.
Genome position (GRCh38, 1-based): chr5:112,819,345, G>T. VCF-style: chr5-112819345-G-T. GRCh37 (hg19) VCF-style: chr5-112155042-G-T.
Other names: c.1009+1G>T (NM_001407454.1, NM_001407456.1, NM_001407460.1 and 5 more transcripts); c.463+1G>T (NM_001407470.1, NM_001354906.2); c.160+1G>T (NM_001407472.1, NM_001407471.1); c.1312+1G>T (NM_001407447.1, NM_001354895.2, NM_001407448.1 and 4 more transcripts); c.1228+1G>T (NM_001407452.1, NM_001354899.2); c.925+1G>T (NM_001407469.1, NM_001407467.1); c.1342+1G>T (NM_001407446.1, NM_001354897.2); c.1039+1G>T (NM_001354902.2); and 5 more.
Identifiers: ClinVar variation 818877 (VCV000818877.5), dbSNP rs863225310, ClinGen allele CA360619191.